The following is an entry in ClinVar:

NM_144573.4(NEXN):c.893C>G (p.Thr298Arg)

Gene: NEXN (nexilin F-actin binding protein; plus strand). Cytogenetic location: 1p31.1.
Variant type: single nucleotide variant.
Coding change: c.893C>G on transcript NM_144573.4 (MANE Select); coding-DNA position 893, C replaced by G.
Protein change: p.Thr298Arg; replaces threonine 298 with arginine.
Molecular consequence: missense variant.
Genome position (GRCh38, 1-based): chr1:77,929,344, C>G. VCF-style: chr1-77929344-C-G. GRCh37 (hg19) VCF-style: chr1-78395029-C-G.
Other names: c.701C>G, p.Thr234Arg (NM_001172309.2); short protein forms T298R, T234R.
Identifiers: ClinVar variation 47914 (VCV000047914.63), dbSNP rs200753280, ClinGen allele CA142175.

ClinVar aggregate classification (germline): Conflicting classifications of pathogenicity. Review status: criteria provided, conflicting classifications (1 of 4 stars). 17 submissions from 17 submitters: Uncertain significance (2); Benign (1); Likely benign (10). 4 of the submissions do not count toward it. Last evaluated 2026-01-27.

Conditions:
NEXN-related disorder. Also called: NEXN-related disorders; NEXN-related condition.
Cardiovascular phenotype. Identifiers: MedGen CN230736.
Dilated cardiomyopathy 1CC (CMD1CC). Identifiers: Orphanet 154, MedGen C2751084, MONDO:0013147, OMIM 613122.
Hypertrophic cardiomyopathy 20. Identifiers: MedGen C3151267, MONDO:0013477, OMIM 613876.
Cardiomyopathy (CMYO). Also called: Cardiomyopathies. Identifiers: Orphanet 167848, MedGen C0878544, MONDO:0004994, HP:0001638. Inheritance: Various modes of inheritance.
Hypertrophic cardiomyopathy. Also called: HYPERTROPHIC MYOCARDIOPATHY. Identifiers: Orphanet 217569, MedGen C0007194, MeSH D002312, MONDO:0005045, HP:0001639.

Allele frequency attached by ClinVar (database versions not stated): ExAC 0.00010; gnomAD 0.00016; gnomAD exomes 0.00017; TOPMed 0.00017; ESP Exome Variant Server 0.00034.
gnomAD v4.1: 303 of 1,613,230 alleles (0.019%); highest among the groups gnomAD compares: Non-Finnish European, 0.018%; no homozygotes.

Submissions (17):

Labcorp Genetics (formerly Invitae), Labcorp
Classification: Likely benign for Dilated cardiomyopathy 1CC; Hypertrophic cardiomyopathy 20. Last evaluated: 2026-01-27. Review status: criteria provided, single submitter. Criteria: Invitae Variant Classification Sherloc (09022015). Collection method: clinical testing. Allele origin: germline.

Mayo Clinic Laboratories, Mayo Clinic
Classification: Likely benign. Last evaluated: 2025-10-24. Review status: criteria provided, single submitter. Criteria: ACMG Guidelines, 2015. Collection method: clinical testing. Allele origin: germline. Observed: 1 variant allele.
Comment: BS1

PreventionGenetics, part of Exact Sciences
Classification: Likely benign for NEXN-related condition. Last evaluated: 2025-10-22. Review status: criteria provided, single submitter. Criteria: ACMG Guidelines, 2015. Collection method: clinical testing. Allele origin: germline.
Comment: This variant is classified as likely benign based on ACMG/AMP sequence variant interpretation guidelines (Richards et al. 2015 PMID: 25741868, with internal and published modifications).

Women's Health and Genetics/Laboratory Corporation of America, LabCorp
Classification: Likely benign. Last evaluated: 2025-09-08. Review status: criteria provided, single submitter. Criteria: LabCorp Variant Classification Summary - May 2015. Collection method: clinical testing. Allele origin: germline.
Comment: Variant summary: NEXN c.893C>G (p.Thr298Arg) results in a non-conservative amino acid change in the encoded protein sequence. Algorithms developed to predict the effect of missense changes on protein structure and function are either unavailable or do not agree on the potential impact of this missense change. The variant allele was found at a frequency of 0.00017 in 246574 control chromosomes. The observed variant frequency exceeds the estimated maximal expected allele frequency for disease-causing variants in NEXN. To our knowledge, no occurrence of c.893C>G in individuals affected with NEXN-related conditions and no experimental evidence demonstrating its impact on protein function have been reported. ClinVar contains an entry for this variant (Variation ID: 47914). Based on the evidence outlined above, the variant was classified as likely benign.

ARUP Laboratories, Molecular Genetics and Genomics, ARUP Laboratories
Classification: Likely benign. Last evaluated: 2025-04-11. Review status: criteria provided, single submitter. Criteria: ARUP Molecular Germline Variant Investigation Process 2024. Collection method: clinical testing. Allele origin: germline.

Blueprint Genetics
Classification: Likely benign. Last evaluated: 2024-10-31. Review status: criteria provided, single submitter. Criteria: ACMG Guidelines, 2015. Collection method: clinical testing. Allele origin: germline.

CeGaT Center for Human Genetics Tuebingen
Classification: Likely benign. Last evaluated: 2023-02-01. Review status: criteria provided, single submitter. Criteria: CeGaT Center For Human Genetics Tuebingen Variant Classification Criteria Version 2. Collection method: clinical testing. Allele origin: germline. Affected: yes. Observed: 2 variant alleles.
Comment: NEXN: BP4

Department of Pathology and Laboratory Medicine, Sinai Health System
Classification: Likely benign for Dilated cardiomyopathy 1CC; Hypertrophic cardiomyopathy 20. Last evaluated: 2020-08-25. Review status: criteria provided, single submitter. Criteria: ACMG Guidelines, 2015. Collection method: research. Allele origin: germline.

CHEO Genetics Diagnostic Laboratory, Children's Hospital of Eastern Ontario
Classification: Benign for Cardiomyopathy. Last evaluated: 2020-03-16. Review status: criteria provided, single submitter. Criteria: ACMG Guidelines, 2015. Collection method: clinical testing. Allele origin: germline.

Ambry Genetics
Classification: Likely benign for Cardiovascular phenotype. Last evaluated: 2018-11-21. Review status: criteria provided, single submitter. Criteria: Ambry Variant Classification Scheme 2023. Collection method: clinical testing. Allele origin: germline.

GeneDx
Classification: Likely benign. Last evaluated: 2018-05-29. Review status: criteria provided, single submitter. Criteria: GeneDx Variant Classification Process June 2021. Collection method: clinical testing. Allele origin: germline. Affected: yes.
Comment: This variant is associated with the following publications: (PMID: 27532257)

Laboratory for Molecular Medicine, Mass General Brigham Personalized Medicine
Classification: Uncertain significance. Last evaluated: 2015-09-09. Review status: criteria provided, single submitter. Criteria: LMM Criteria. Collection method: clinical testing. Allele origin: germline. Observed: 3 variant alleles.
Comment: Variant classified as Uncertain Significance - Favor Benign. It has also been identified in 12/66354 European chromosomes by the Exome Aggregation Consortium (ExAC; dbSNP rs200753280). Threonine at position 298 is not conserved i n evolution and 1 mammal (mouse) has an arginine (Arg) at this position, raising the possibility that this change may be tolerated. In summary, while the clinic al significance of the p.Thr298Arg variant is uncertain, these data suggest that it is more likely to be benign.

Centre for Mendelian Genomics, University Medical Centre Ljubljana
Classification: Uncertain significance for Hypertrophic cardiomyopathy. Last evaluated: 2015-02-23. Review status: criteria provided, single submitter. Criteria: ACMG Guidelines, 2015. Collection method: clinical testing. Allele origin: unknown. Affected: yes.

Clinical Genetics DNA and cytogenetics Diagnostics Lab, Erasmus MC, Erasmus Medical Center
Classification: Likely benign. Review status: no assertion criteria provided. Collection method: clinical testing. Allele origin: germline. Affected: yes. Study: VKGL Data-share Consensus. Not counted in ClinVar's aggregate classification.

Clinical Genetics, Academic Medical Center
Classification: Likely benign. Review status: no assertion criteria provided. Collection method: clinical testing. Allele origin: germline. Affected: yes. Study: VKGL Data-share Consensus. Not counted in ClinVar's aggregate classification.

Genome Diagnostics Laboratory, University Medical Center Utrecht
Classification: Likely benign. Review status: no assertion criteria provided. Collection method: clinical testing. Allele origin: germline. Affected: yes. Study: VKGL Data-share Consensus. Not counted in ClinVar's aggregate classification.

Joint Genome Diagnostic Labs from Nijmegen and Maastricht, Radboudumc and MUMC+
Classification: Likely benign. Review status: no assertion criteria provided. Collection method: clinical testing. Allele origin: germline. Affected: yes. Study: VKGL Data-share Consensus. Not counted in ClinVar's aggregate classification.